The following is an entry in ClinVar:

NM_152490.5(B3GALNT2):c.64C>T (p.Arg22Trp)

Gene: B3GALNT2 (beta-1,3-N-acetylgalactosaminyltransferase 2; minus strand). Cytogenetic location: 1q42.3.
Variant type: single nucleotide variant.
Coding change: c.64C>T on transcript NM_152490.5 (MANE Select); coding-DNA position 64, C replaced by T.
Protein change: p.Arg22Trp; replaces arginine 22 with tryptophan.
Molecular consequence: missense variant.
Genome position (GRCh38, 1-based): chr1:235,504,189, G>A on the plus strand (C>T on the coding strand, the complement: B3GALNT2 is on the minus strand). VCF-style: chr1-235504189-G-A. GRCh37 (hg19) VCF-style: chr1-235667489-G-A.
Other names: c.64C>T, p.Arg22Trp (NM_001277155.3); c.64C>T (NM_152490.2); short protein forms R22W.
Identifiers: ClinVar variation 1424693 (VCV001424693.6), dbSNP rs962461243, ClinGen allele CA39593966.

ClinVar aggregate classification (germline): Uncertain significance. Review status: criteria provided, multiple submitters, no conflicts (2 of 4 stars). 2 submissions from 2 submitters: Uncertain significance (2). Last evaluated 2022-12-16.

Conditions:
Inborn genetic diseases. Identifiers: MedGen C0950123, MeSH D030342.
Muscular dystrophy-dystroglycanopathy (congenital with brain and eye anomalies), type a, 11 (MDDGA11). Also called: WALKER-WARBURG SYNDROME OR MUSCLE-EYE-BRAIN DISEASE, B3GALNT2-RELATED; Muscular dystrophy-dystroglycanopathy (congenital with brain and eye anomalies, type A, 11; Congenital muscular dystrophy-dystroglycanopathy with brain and eye anomalies, type A11. Identifiers: Orphanet 588, Orphanet 899, MedGen C3554638, MONDO:0014071, OMIM 615181.

Allele frequency attached by ClinVar (database versions not stated): TOPMed 0.00002; gnomAD 0.00003 and 0.00004; gnomAD exomes 0.00007.
gnomAD v4.1: 90 of 1,335,064 alleles (0.0067%); highest among the groups gnomAD compares: Non-Finnish European, 0.0078%; no homozygotes.

Submissions (2):

Ambry Genetics
Classification: Uncertain significance for Inborn genetic diseases. Last evaluated: 2022-12-16. Review status: criteria provided, single submitter. Criteria: Ambry Variant Classification Scheme 2023. Collection method: clinical testing. Allele origin: germline.

Labcorp Genetics (formerly Invitae), Labcorp
Classification: Uncertain significance for Muscular dystrophy-dystroglycanopathy (congenital with brain and eye anomalies), type a, 11. Last evaluated: 2021-09-01. Review status: criteria provided, single submitter. Criteria: Invitae Variant Classification Sherloc (09022015). Collection method: clinical testing. Allele origin: germline.
Comment: This sequence change replaces arginine with tryptophan at codon 22 of the B3GALNT2 protein (p.Arg22Trp). The arginine residue is weakly conserved and there is a moderate physicochemical difference between arginine and tryptophan. The frequency data for this variant in the population databases is considered unreliable, as metrics indicate insufficient coverage at this position in the ExAC database. This variant has not been reported in the literature in individuals affected with B3GALNT2-related conditions. Algorithms developed to predict the effect of missense changes on protein structure and function output the following: SIFT: "Tolerated"; PolyPhen-2: "Benign"; Align-GVGD: "Class C0". The tryptophan amino acid residue is found in multiple mammalian species, which suggests that this missense change does not adversely affect protein function. In summary, the available evidence is currently insufficient to determine the role of this variant in disease. Therefore, it has been classified as a Variant of Uncertain Significance.